The following is an entry in ClinVar:

NM_000275.3(OCA2):c.647-12_647-1del

Gene: OCA2 (OCA2 melanosomal transmembrane protein; minus strand). Cytogenetic location: 15q13.1.
Variant type: Deletion.
Coding change: c.647-12_647-1del on transcript NM_000275.3 (MANE Select); 12 bases into the intron before coding-DNA position 647 through the canonical splice acceptor site of the intron before coding-DNA position 647, 12 bases deleted (ACACTCTCCGAG).
Molecular consequence: splice acceptor variant.
Genome position (GRCh38, 1-based): chr15:28,018,558-28,018,569, CTCGGAGAGTGT deleted on the plus strand (ACACTCTCCGAG on the coding strand, the reverse complement: OCA2 is on the minus strand); deleting any 12 consecutive bases within chr15:28,018,558-28,018,570 gives the same sequence; the c. name uses the placement nearest the transcript's 3' end. VCF-style (leftmost placement, unchanged base first): chr15-28018557-GCTCGGAGAGTGT-G. GRCh37 (hg19) VCF-style: chr15-28263703-GCTCGGAGAGTGT-G.
Other names: c.647-12_647-1del (NM_001300984.2).
Identifiers: ClinVar variation 2074125 (VCV002074125.5), dbSNP rs2042480125, ClinGen allele CA2166418488.

ClinVar aggregate classification (germline): Likely pathogenic. Review status: criteria provided, multiple submitters, no conflicts (2 of 4 stars). 2 submissions from 2 submitters: Likely pathogenic (2). Last evaluated 2024-08-11.

Conditions:
OCA2-related disorder. Also called: OCA2-related condition.

Submissions (2):

Labcorp Genetics (formerly Invitae), Labcorp
Classification: Likely pathogenic. Last evaluated: 2024-08-11. Review status: criteria provided, single submitter. Criteria: Invitae Variant Classification Sherloc (09022015). Collection method: clinical testing. Allele origin: germline.
Comment: This sequence change affects a splice site in intron 6 of the OCA2 gene. It is expected to disrupt RNA splicing. Variants that disrupt the donor or acceptor splice site typically lead to a loss of protein function (PMID: 16199547), and loss-of-function variants in OCA2 are known to be pathogenic (PMID: 19865097, 21541274). This variant is not present in population databases (gnomAD no frequency). This variant has not been reported in the literature in individuals affected with OCA2-related conditions. ClinVar contains an entry for this variant (Variation ID: 2074125). In summary, the currently available evidence indicates that the variant is pathogenic, but additional data are needed to prove that conclusively. Therefore, this variant has been classified as Likely Pathogenic.

Blueprint Genetics
Classification: Likely pathogenic for OCA2-related disorders. Last evaluated: 2018-09-26. Review status: criteria provided, single submitter. Criteria: ACMG Guidelines, 2015. Collection method: clinical testing. Allele origin: germline. Affected: yes. Observed: 1 variant allele.

Literature cited by the submitters: PubMed 16199547 (cited by Labcorp Genetics (formerly Invitae), Labcorp); PubMed 19865097 (cited by Labcorp Genetics (formerly Invitae), Labcorp); PubMed 21541274 (cited by Labcorp Genetics (formerly Invitae), Labcorp).